The following is an entry in ClinVar:

NM_002546.4(TNFRSF11B):c.768A>G (p.Leu256=)

Gene: TNFRSF11B (TNF receptor superfamily member 11b; minus strand). Cytogenetic location: 8q24.12.
Variant type: single nucleotide variant.
Coding change: c.768A>G on transcript NM_002546.4 (MANE Select); coding-DNA position 768, A replaced by G.
Protein change: p.Leu256=; no amino-acid change (leucine 256 retained).
Molecular consequence: synonymous variant.
Genome position (GRCh38, 1-based): chr8:118,926,543, T>C on the plus strand (A>G on the coding strand, the complement: TNFRSF11B is on the minus strand). VCF-style: chr8-118926543-T-C. GRCh37 (hg19) VCF-style: chr8-119938782-T-C.
Identifiers: ClinVar variation 258773 (VCV000258773.14), dbSNP rs2228568, ClinGen allele CA4854835.

ClinVar aggregate classification (germline): Benign. Review status: criteria provided, multiple submitters, no conflicts (2 of 4 stars). 4 submissions from 4 submitters: Benign (4). Last evaluated 2026-02-04.

Conditions:
Hyperphosphatasemia with bone disease (PDB5). Also called: PAGET DISEASE OF BONE 5, JUVENILE-ONSET; Paget disease of bone 5; Osteoectasia familial; HYPEROSTOSIS CORTICALIS DEFORMANS JUVENILIS; HYPERPHOSPHATASEMIA, CHRONIC CONGENITAL IDIOPATHIC; HYPERPHOSPHATASIA, FAMILIAL IDIOPATHIC. Identifiers: Orphanet 2801, MedGen C0268414, MONDO:0009394, OMIM 239000.

Allele frequency attached by ClinVar (database versions not stated): 1000 Genomes Project 30x 0.07480; 1000 Genomes Project 0.07867; ExAC 0.10864; TOPMed 0.09202; gnomAD 0.09806 and 0.09868; gnomAD exomes 0.10512 and 0.12254; ESP Exome Variant Server 0.10697.
gnomAD v4.1: 194,094 of 1,613,968 alleles (12%); highest among the groups gnomAD compares: South Asian, 14%; 12,715 homozygotes.

Submissions (4):

Labcorp Genetics (formerly Invitae), Labcorp
Classification: Benign. Last evaluated: 2026-02-04. Review status: criteria provided, single submitter. Criteria: Invitae Variant Classification Sherloc (09022015). Collection method: clinical testing. Allele origin: germline.

Illumina Laboratory Services, Illumina
Classification: Benign for Hyperphosphatasemia with bone disease. Last evaluated: 2018-01-12. Review status: criteria provided, single submitter. Criteria: ICSL Variant Classification Criteria 13 December 2019. Collection method: clinical testing. Allele origin: germline.
Comment: This variant was observed in the ICSL laboratory as part of a predisposition screen in an ostensibly healthy population. It had not been previously curated by ICSL or reported in the Human Gene Mutation Database (HGMD: prior to June 1st, 2018), and was therefore a candidate for classification through an automated scoring system. Utilizing variant allele frequency, disease prevalence and penetrance estimates, and inheritance mode, an automated score was calculated to assess if this variant is too frequent to cause the disease. Based on the score and internal cut-off values, a variant classified as benign is not then subjected to further curation. The score for this variant resulted in a classification of benign for this disease.

Breakthrough Genomics
Classification: Benign. Review status: criteria provided, single submitter. Criteria: ACMG Guidelines, 2015. Collection method: not provided. Allele origin: germline. Inheritance: Autosomal recessive inheritance. Affected: yes.

PreventionGenetics, part of Exact Sciences
Classification: Benign. Review status: criteria provided, single submitter. Criteria: ACMG Guidelines, 2015. Collection method: clinical testing. Allele origin: germline.